The following is an entry in ClinVar:

ClinVar aggregate classification (germline): Conflicting classifications of pathogenicity. Review status: criteria provided, conflicting classifications (1 of 4 stars). 5 submissions from 5 submitters: Uncertain significance (4); Likely benign (1). Last evaluated 2024-11-16.

Conditions:
Auditory neuropathy, autosomal dominant 3 (AUNA3). Identifiers: MedGen C5676964, MONDO:0859235, OMIM 619832.
Arrhythmogenic right ventricular dysplasia 5. Also called: Arrhythmogenic Right Ventricular Dysplasia/Cardiomyopathy 5; ARRHYTHMOGENIC RIGHT VENTRICULAR DYSPLASIA, FAMILIAL, 5. Identifiers: MedGen C1858379, MONDO:0011459, OMIM 604400.
Emery-Dreifuss muscular dystrophy 7, autosomal dominant (EDMD7). Also called: Emery-Dreifuss muscular dystrophy 7, AD. Identifiers: Orphanet 261, MedGen C3553060, MONDO:0013677, OMIM 614302.
Cardiovascular phenotype. Identifiers: MedGen CN230736.
Cardiomyopathy (CMYO). Also called: Cardiomyopathies. Identifiers: Orphanet 167848, MedGen C0878544, MONDO:0004994, HP:0001638. Inheritance: Various modes of inheritance.

Allele frequency attached by ClinVar (database versions not stated): TOPMed below 0.00001; gnomAD 0.00001; gnomAD exomes 0.00001.
gnomAD v4.1: 5 of 1,614,130 alleles (0.00031%); highest among the groups gnomAD compares: African/African-American, 0.0067%; no homozygotes.

Submissions (5):

Labcorp Genetics (formerly Invitae), Labcorp
Classification: Uncertain significance for Arrhythmogenic right ventricular dysplasia 5. Last evaluated: 2024-11-16. Review status: criteria provided, single submitter. Criteria: Invitae Variant Classification Sherloc (09022015). Collection method: clinical testing. Allele origin: germline.
Comment: This sequence change replaces alanine, which is neutral and non-polar, with proline, which is neutral and non-polar, at codon 314 of the TMEM43 protein (p.Ala314Pro). This variant is present in population databases (no rsID available, gnomAD 0.01%). This variant has not been reported in the literature in individuals affected with TMEM43-related conditions. ClinVar contains an entry for this variant (Variation ID: 653012). Invitae Evidence Modeling of protein sequence and biophysical properties (such as structural, functional, and spatial information, amino acid conservation, physicochemical variation, residue mobility, and thermodynamic stability) indicates that this missense variant is expected to disrupt TMEM43 protein function with a positive predictive value of 80%. In summary, the available evidence is currently insufficient to determine the role of this variant in disease. Therefore, it has been classified as a Variant of Uncertain Significance.

Color Diagnostics, LLC DBA Color Health
Classification: Uncertain significance for Cardiomyopathy. Last evaluated: 2024-03-06. Review status: criteria provided, single submitter. Criteria: ACMG Guidelines, 2015. Collection method: clinical testing. Allele origin: germline.
Comment: This missense variant replaces alanine with proline at codon 314 of the TMEM43 protein. Computational prediction suggests that this variant may not impact protein structure and function (internally defined REVEL score threshold <= 0.5, PMID: 27666373). To our knowledge, functional studies have not been reported for this variant. This variant has not been reported in individuals affected with cardiovascular disorders in the literature. This variant has been identified in 2/251434 chromosomes in the general population by the Genome Aggregation Database (gnomAD). The available evidence is insufficient to determine the role of this variant in disease conclusively. Therefore, this variant is classified as a Variant of Uncertain Significance.

All of Us Research Program, National Institutes of Health
Classification: Uncertain significance for Arrhythmogenic right ventricular dysplasia 5. Last evaluated: 2024-02-22. Review status: criteria provided, single submitter. Criteria: ACMG Guidelines, 2015. Collection method: clinical testing. Allele origin: germline. Inheritance: Autosomal dominant inheritance. Observed: 1 variant allele, 1 heterozygote.
Comment: This missense variant replaces alanine with proline at codon 314 of the TMEM43 protein. Computational prediction suggests that this variant may not impact protein structure and function (internally defined REVEL score threshold <= 0.5, PMID: 27666373). To our knowledge, functional studies have not been reported for this variant. This variant has not been reported in individuals affected with cardiovascular disorders in the literature. This variant has been identified in 2/251434 chromosomes in the general population by the Genome Aggregation Database (gnomAD). The available evidence is insufficient to determine the role of this variant in disease conclusively. Therefore, this variant is classified as a Variant of Uncertain Significance.

This study involves interpretation of variants in research participants for the purpose of population health screening. Participant phenotype was not available at the time of variant classification. Additional details can be found in publication PMID: 35346344, PMCID: PMC8962531

Ambry Genetics
Classification: Likely benign for Cardiovascular phenotype. Last evaluated: 2022-05-30. Review status: criteria provided, single submitter. Criteria: Ambry Variant Classification Scheme 2023. Collection method: clinical testing. Allele origin: germline.

Fulgent Genetics
Classification: Uncertain significance for Arrhythmogenic right ventricular dysplasia 5; Emery-Dreifuss muscular dystrophy 7, autosomal dominant; Auditory neuropathy, autosomal dominant 3. Last evaluated: 2021-10-29. Review status: criteria provided, single submitter. Criteria: ACMG Guidelines, 2015. Collection method: clinical testing. Allele origin: unknown.

NM_024334.3(TMEM43):c.940G>C (p.Ala314Pro)

Gene: TMEM43 (transmembrane protein 43; plus strand). Cytogenetic location: 3p25.1.
Variant type: single nucleotide variant.
Coding change: c.940G>C on transcript NM_024334.3 (MANE Select); coding-DNA position 940, G replaced by C.
Protein change: p.Ala314Pro; replaces alanine 314 with proline.
Molecular consequence: missense variant.
Genome position (GRCh38, 1-based): chr3:14,139,237, G>C. VCF-style: chr3-14139237-G-C. GRCh37 (hg19) VCF-style: chr3-14180737-G-C.
Other names: short protein forms A314P.
Identifiers: ClinVar variation 653012 (VCV000653012.14), dbSNP rs1431861933, ClinGen allele CA351536198.